The following is an entry in ClinVar:

ClinVar aggregate classification (germline): Pathogenic (1 of 4 stars; one submission).

Submission:

Labcorp Genetics (formerly Invitae), Labcorp
Classification: Pathogenic. Last evaluated: 2022-09-30. Review status: criteria provided, single submitter. Criteria: Invitae Variant Classification Sherloc (09022015). Collection method: clinical testing. Allele origin: germline.
Comment: For these reasons, this variant has been classified as Pathogenic. This variant is also known as arr[hg19] 2q35(220300895_220596562)x1. A similar copy number variant has been observed in individual(s) with OBSL1-related conditions (PMID: 33482836). A gross deletion of the genomic region encompassing the full coding sequence of the OBSL1 gene has been identified. Loss-of-function variants in OBSL1 are known to be pathogenic (PMID: 19481195, 19877176). The boundaries of this event are unknown as they extend beyond the assayed region for this gene and therefore may encompass additional genes.

Literature cited by the submitters: PubMed 33482836; PubMed 19481195; PubMed 19877176.

NC_000002.11:g.(?_220415557)_(220435954_?)del

Gene: OBSL1 (obscurin like cytoskeletal adaptor 1; minus strand). Cytogenetic location: 2q35.
Variant type: Deletion.
Identifiers: ClinVar variation 2426135 (VCV002426135.4).